The following is an entry in ClinVar:

NM_019098.5(CNGB3):c.886_890del (p.Thr296fs)

Gene: CNGB3 (cyclic nucleotide gated channel subunit beta 3; minus strand). Cytogenetic location: 8q21.3.
Variant type: Deletion.
Coding change: c.886_890del on transcript NM_019098.5 (MANE Select); coding-DNA positions 886 to 890, 5 bases deleted (ACTTC; older notation c.886_890delACTTC).
Protein change: p.Thr296fs; shifts the reading frame from threonine 296.
Molecular consequence: frameshift variant.
Genome position (GRCh38, 1-based): chr8:86,654,025-86,654,029, GAAGT deleted on the plus strand (ACTTC on the coding strand, the reverse complement: CNGB3 is on the minus strand). VCF-style (leftmost placement, unchanged base first): chr8-86654024-AGAAGT-A. GRCh37 (hg19) VCF-style: chr8-87666252-AGAAGT-A.
Other names: short protein forms T296fs.
Identifiers: ClinVar variation 1071430 (VCV001071430.7), dbSNP rs759748892, ClinGen allele CA4800241.

ClinVar aggregate classification (germline): Pathogenic/Likely pathogenic. Review status: criteria provided, multiple submitters, no conflicts (2 of 4 stars). 3 submissions from 3 submitters: Pathogenic (2); Likely pathogenic (1). Last evaluated 2024-06-12.

Conditions:
Achromatopsia 3 (ACHM3). Also called: PINGELAPESE BLINDNESS; TOTAL COLORBLINDNESS WITH MYOPIA; ROD MONOCHROMACY 1; ROD MONOCHROMATISM 1; ACHROMATOPSIA WITH MYOPIA. Identifiers: Orphanet 49382, MedGen C1849792, MONDO:0009875, OMIM 262300.
CNGB3-related disorder. Also called: CNGB3-related condition; CNGB3-related disorders. Identifiers: MedGen CN239340.

Allele frequency attached by ClinVar (database versions not stated): ExAC 0.00007; gnomAD exomes 0.00012; gnomAD 0.00013 and 0.00014.

Submissions (3):

Blueprint Genetics
Classification: Pathogenic for CNGB3-related disorders. Last evaluated: 2024-06-12. Review status: criteria provided, single submitter. Criteria: ACMG Guidelines, 2015. Collection method: clinical testing. Allele origin: germline. Affected: yes. Observed: 5 variant alleles.

Myriad Genetics, Inc.
Classification: Likely pathogenic for Achromatopsia 3. Last evaluated: 2022-02-01. Review status: criteria provided, single submitter. Criteria: Myriad Women's Health Autosomal Recessive and X-Linked Classification Criteria (2021). Collection method: clinical testing. Allele origin: unknown.
Comment: NM_019098.4(CNGB3):c.886_890del5(T296Yfs*14) is expected to be pathogenic in the context of CNGB3-related achromatopsia. This variant is predicted to lead to an abnormal or absent protein product due to the creation of a premature termination codon in CNGB3, a gene where loss-of-function variants are known to be pathogenic. Please note: this variant was assessed in the context of healthy population screening.

Labcorp Genetics (formerly Invitae), Labcorp
Classification: Pathogenic. Last evaluated: 2021-08-27. Review status: criteria provided, single submitter. Criteria: Invitae Variant Classification Sherloc (09022015). Collection method: clinical testing. Allele origin: germline.